The following is an entry in ClinVar:

NM_001082486.2(ACD):c.1277G>C (p.Cys426Ser)

Gene: ACD (ACD shelterin complex subunit and telomerase recruitment factor; minus strand). Cytogenetic location: 16q22.1.
Variant type: single nucleotide variant.
Coding change: c.1277G>C on transcript NM_001082486.2 (MANE Select); coding-DNA position 1277, G replaced by C.
Protein change: p.Cys426Ser; replaces cysteine 426 with serine.
Molecular consequence: missense variant.
Genome position (GRCh38, 1-based): chr16:67,657,783, C>G on the plus strand (G>C on the coding strand, the complement: ACD is on the minus strand). VCF-style: chr16-67657783-C-G. GRCh37 (hg19) VCF-style: chr16-67691686-C-G.
Other names: c.1190G>C, p.Cys397Ser (NM_001410884.1); c.1268G>C, p.Cys423Ser (NM_022914.3); short protein forms C397S, C423S, C426S.
Identifiers: ClinVar variation 3232647 (VCV003232647.1), dbSNP rs1445369071, ClinGen allele CA396349846.

ClinVar aggregate classification (germline): Uncertain significance (1 of 4 stars; one submission).

Conditions:
Inborn genetic diseases. Identifiers: MedGen C0950123, MeSH D030342.

gnomAD v4.1: 1 of 1,614,100 alleles (0.000062%); no homozygotes.

Submission:

Ambry Genetics
Classification: Uncertain significance for Inborn genetic diseases. Last evaluated: 2024-01-11. Review status: criteria provided, single submitter. Criteria: Ambry Variant Classification Scheme 2023. Collection method: clinical testing. Allele origin: germline.
Comment: The p.C512S variant (also known as c.1535G>C), located in coding exon 11 of the ACD gene, results from a G to C substitution at nucleotide position 1535. The cysteine at codon 512 is replaced by serine, an amino acid with dissimilar properties. This amino acid position is conserved. In addition, this alteration is predicted to be tolerated by in silico analysis. Since supporting evidence is limited at this time, the clinical significance of this alteration remains unclear.